The following is an entry in ClinVar:

NM_001377265.1(MAPT):c.63G>A (p.Gly21=)

Gene: MAPT (microtubule associated protein tau). Cytogenetic location: 17q21.31.
Variant type: single nucleotide variant.
Coding change: c.63G>A on transcript NM_001377265.1 (MANE Select); coding-DNA position 63, G replaced by A.
Protein change: p.Gly21=; no amino-acid change (glycine 21 retained).
Molecular consequence: synonymous variant. On other transcripts: non-coding transcript variant (1).
Genome position (GRCh38, 1-based): chr17:45,962,400, G>A. VCF-style: chr17-45962400-G-A. GRCh37 (hg19) VCF-style: chr17-44039766-G-A.
Other names: c.63G>A, p.Gly21= (NM_001123066.4, NM_001123067.4, NM_001203251.2 and 8 more transcripts).
Identifiers: ClinVar variation 2578790 (VCV002578790.25), dbSNP rs200084740, ClinGen allele CA500369610.

ClinVar aggregate classification (germline): Likely benign (1 of 4 stars; one submission).

gnomAD v4.1: 2 of 1,612,676 alleles (0.00012%); highest among the groups gnomAD compares: Non-Finnish European, 0.00017%; no homozygotes.

Submission:

CeGaT Center for Human Genetics Tuebingen
Classification: Likely benign. Last evaluated: 2023-07-01. Review status: criteria provided, single submitter. Criteria: CeGaT Center For Human Genetics Tuebingen Variant Classification Criteria Version 2. Collection method: clinical testing. Allele origin: germline. Affected: yes. Observed: 1 variant allele.
Comment: MAPT: PM2:Supporting, BP4, BP7